The following is an entry in ClinVar:

ClinVar aggregate classification (germline): Likely benign. Review status: criteria provided, multiple submitters, no conflicts (2 of 4 stars). 3 submissions from 3 submitters: Likely benign (3). Last evaluated 2025-12-15.

Conditions:
Cardiovascular phenotype. Identifiers: MedGen CN230736.
Dilated cardiomyopathy 1DD (CMD1DD). Identifiers: Orphanet 154, MedGen C2750995, MONDO:0013168, OMIM 613172.

Allele frequency attached by ClinVar (database versions not stated): gnomAD exomes 0.00001 and 0.00002; TOPMed 0.00002.

Submissions (3):

Labcorp Genetics (formerly Invitae), Labcorp
Classification: Likely benign for Dilated cardiomyopathy 1DD. Last evaluated: 2025-12-15. Review status: criteria provided, single submitter. Criteria: Invitae Variant Classification Sherloc (09022015). Collection method: clinical testing. Allele origin: germline.

Ambry Genetics
Classification: Likely benign for Cardiovascular phenotype. Last evaluated: 2022-08-16. Review status: criteria provided, single submitter. Criteria: Ambry Variant Classification Scheme 2023. Collection method: clinical testing. Allele origin: germline.

Laboratory for Molecular Medicine, Mass General Brigham Personalized Medicine
Classification: Likely benign. Last evaluated: 2012-03-22. Review status: criteria provided, single submitter. Criteria: LMM Criteria. Collection method: clinical testing. Allele origin: germline. Observed: 1 variant allele.
Comment: His403His in exon 2 of RBM20: This variant is not expected to have clinical sign ificance because it does not alter an amino acid residue and is not located with in the splice consensus sequence. His403His in exon 2 of RBM20 (allele frequenc y = n/a)

NM_001134363.3(RBM20):c.1209C>T (p.His403=)

Gene: RBM20 (RNA binding motif protein 20; plus strand). Cytogenetic location: 10q25.2.
Variant type: single nucleotide variant.
Coding change: c.1209C>T on transcript NM_001134363.3 (MANE Select); coding-DNA position 1209, C replaced by T.
Protein change: p.His403=; no amino-acid change (histidine 403 retained).
Molecular consequence: synonymous variant.
Genome position (GRCh38, 1-based): chr10:110,781,818, C>T. VCF-style: chr10-110781818-C-T. GRCh37 (hg19) VCF-style: chr10-112541576-C-T.
Identifiers: ClinVar variation 43967 (VCV000043967.15), dbSNP rs397516592, ClinGen allele CA133257.